The following is an entry in ClinVar:

ClinVar aggregate classification (germline): Uncertain significance (1 of 4 stars; one submission).

Submission:

Labcorp Genetics (formerly Invitae), Labcorp
Classification: Uncertain significance. Last evaluated: 2024-07-01. Review status: criteria provided, single submitter. Criteria: Invitae Variant Classification Sherloc (09022015). Collection method: clinical testing. Allele origin: germline.
Comment: This sequence change replaces glycine, which is neutral and non-polar, with alanine, which is neutral and non-polar, at codon 8 of the TAOK2 protein (p.Gly8Ala). This variant is not present in population databases (gnomAD no frequency). This variant has not been reported in the literature in individuals affected with TAOK2-related conditions. ClinVar contains an entry for this variant (Variation ID: 1461284). An algorithm developed to predict the effect of missense changes on protein structure and function (PolyPhen-2) suggests that this variant is likely to be tolerated. In summary, the available evidence is currently insufficient to determine the role of this variant in disease. Therefore, it has been classified as a Variant of Uncertain Significance.

NM_016151.4(TAOK2):c.23G>C (p.Gly8Ala)

Gene: TAOK2 (TAO kinase 2; plus strand). Cytogenetic location: 16p11.2.
Variant type: single nucleotide variant.
Coding change: c.23G>C on transcript NM_016151.4 (MANE Select); coding-DNA position 23, G replaced by C.
Protein change: p.Gly8Ala; replaces glycine 8 with alanine.
Molecular consequence: missense variant.
Genome position (GRCh38, 1-based): chr16:29,977,795, G>C. VCF-style: chr16-29977795-G-C. GRCh37 (hg19) VCF-style: chr16-29989116-G-C.
Other names: c.23G>C, p.Gly8Ala (NM_001252043.2, NM_004783.4); short protein forms G8A.
Identifiers: ClinVar variation 1461284 (VCV001461284.6), dbSNP rs2150882586, ClinGen allele CA395469502.
Genomic context (GRCh38, chr16:29,977,795, plus strand): 5'-CAGGCCAGGCCCCACTCTCAGGGCCCCCAGGGGCCACCATGCCAGCTGGGGGCCGGGCCG[G>C]GAGCCTGAAGGACCCAGATGTGGCTGAGCTCTTCTTCAAGGATGACCCAGAAAAGCTCTT-3'
Protein context (NP_057235.2, residues 1-18): MPAGGRA[Gly8Ala]SLKDPDVAEL